The following is an entry in ClinVar:

NM_001079866.2(BCS1L):c.3G>A (p.Met1Ile)

Gene: BCS1L (BCS1 ubiquinol-cytochrome c reductase complex chaperone; plus strand). Cytogenetic location: 2q35.
Variant type: single nucleotide variant.
Coding change: c.3G>A on transcript NM_001079866.2 (MANE Select); coding-DNA position 3, G replaced by A.
Protein change: p.Met1Ile; changes the start codon (methionine 1).
Molecular consequence: missense variant, initiator codon variant. On other transcripts: 5 prime UTR variant (5), non-coding transcript variant (1), intron variant (3).
Genome position (GRCh38, 1-based): chr2:218,660,990, G>A. VCF-style: chr2-218660990-G-A. GRCh37 (hg19) VCF-style: chr2-219525713-G-A.
Other names: c.3G>A, p.Met1Ile (NM_001257342.2, NM_001257343.2, NM_001257344.2 and 10 more transcripts); c.-474G>A (NM_001371453.1, NM_001371454.1, NM_001371455.1 and 2 more transcripts); c.-41+242G>A (NM_001371451.1); c.-40-416G>A (NM_001318836.2); c.-41-769G>A (NM_001371452.1); short protein forms M1I.
Identifiers: ClinVar variation 4733111 (VCV004733111.1).

ClinVar aggregate classification (germline): Pathogenic (1 of 4 stars; one submission).

Submission:

Labcorp Genetics (formerly Invitae), Labcorp
Classification: Pathogenic. Last evaluated: 2025-12-13. Review status: criteria provided, single submitter. Criteria: Invitae Variant Classification Sherloc (09022015). Collection method: clinical testing. Allele origin: germline.
Comment: This sequence change affects the initiator codon of the BCS1L mRNA. This change may impact translation initiation or efficiency. The next in-frame methionine is located at codon 48. This variant is not present in population databases (gnomAD no frequency). This variant has not been reported in the literature in individuals affected with BCS1L-related conditions. This variant disrupts a region of the BCS1L protein in which other variant(s) (p.Arg45His) have been determined to be pathogenic (PMID: 28322498). This suggests that this is a clinically significant region of the protein, and that variants that disrupt it are likely to be disease-causing. For these reasons, this variant has been classified as Pathogenic.

Literature cited by the submitters: PubMed 28322498.